The following is an entry in ClinVar:

ClinVar aggregate classification (germline): Uncertain significance (1 of 4 stars; one submission).

Conditions:
Atrial fibrillation, familial, 7 (ATFB7). Identifiers: MedGen C2677106, MONDO:0012828, OMIM 612240.

Submission:

Labcorp Genetics (formerly Invitae), Labcorp
Classification: Uncertain significance for Atrial fibrillation, familial, 7. Last evaluated: 2024-02-26. Review status: criteria provided, single submitter. Criteria: Invitae Variant Classification Sherloc (09022015). Collection method: clinical testing. Allele origin: germline.
Comment: This sequence change replaces arginine, which is basic and polar, with histidine, which is basic and polar, at codon 214 of the KCNA5 protein (p.Arg214His). This variant is not present in population databases (gnomAD no frequency). This variant has not been reported in the literature in individuals affected with KCNA5-related conditions. ClinVar contains an entry for this variant (Variation ID: 1509612). Advanced modeling of protein sequence and biophysical properties (such as structural, functional, and spatial information, amino acid conservation, physicochemical variation, residue mobility, and thermodynamic stability) performed at Invitae indicates that this missense variant is not expected to disrupt KCNA5 protein function with a negative predictive value of 80%. In summary, the available evidence is currently insufficient to determine the role of this variant in disease. Therefore, it has been classified as a Variant of Uncertain Significance.

NM_002234.4(KCNA5):c.641G>A (p.Arg214His)

Gene: KCNA5 (potassium voltage-gated channel subfamily A member 5; plus strand). Cytogenetic location: 12p13.32.
Variant type: single nucleotide variant.
Coding change: c.641G>A on transcript NM_002234.4 (MANE Select); coding-DNA position 641, G replaced by A.
Protein change: p.Arg214His; replaces arginine 214 with histidine.
Molecular consequence: missense variant.
Genome position (GRCh38, 1-based): chr12:5,044,788, G>A. VCF-style: chr12-5044788-G-A. GRCh37 (hg19) VCF-style: chr12-5153954-G-A.
Other names: short protein forms R214H.
Identifiers: ClinVar variation 1509612 (VCV001509612.6), dbSNP rs1862753562, ClinGen allele CA383464845.